The following is an entry in ClinVar:

ClinVar aggregate classification (germline): Uncertain significance (1 of 4 stars; one submission).

Conditions:
Cardiovascular phenotype. Identifiers: MedGen CN230736.

Allele frequency attached by ClinVar (database versions not stated): TOPMed below 0.00001; gnomAD 0.00001.
gnomAD v4.1: 3 of 1,614,094 alleles (0.00019%); highest among the groups gnomAD compares: African/African-American, 0.0013%; no homozygotes.

Submission:

Ambry Genetics
Classification: Uncertain significance for Cardiovascular phenotype. Last evaluated: 2020-08-17. Review status: criteria provided, single submitter. Criteria: Ambry Variant Classification Scheme 2023. Collection method: clinical testing. Allele origin: germline.
Comment: The p.I418V variant (also known as c.1252A>G), located in coding exon 3 of the HCN4 gene, results from an A to G substitution at nucleotide position 1252. The isoleucine at codon 418 is replaced by valine, an amino acid with highly similar properties. This amino acid position is highly conserved in available vertebrate species. In addition, the in silico prediction for this alteration is inconclusive. Since supporting evidence is limited at this time, the clinical significance of this alteration remains unclear.

NM_005477.3(HCN4):c.1252A>G (p.Ile418Val)

Gene: HCN4 (hyperpolarization activated cyclic nucleotide gated potassium channel 4; minus strand). Cytogenetic location: 15q24.1.
Variant type: single nucleotide variant.
Coding change: c.1252A>G on transcript NM_005477.3 (MANE Select); coding-DNA position 1252, A replaced by G.
Protein change: p.Ile418Val; replaces isoleucine 418 with valine.
Molecular consequence: missense variant.
Genome position (GRCh38, 1-based): chr15:73,332,250, T>C on the plus strand (A>G on the coding strand, the complement: HCN4 is on the minus strand). VCF-style: chr15-73332250-T-C. GRCh37 (hg19) VCF-style: chr15-73624591-T-C.
Other names: short protein forms I418V.
Identifiers: ClinVar variation 1760955 (VCV001760955.2), dbSNP rs1302034176, ClinGen allele CA393094506.